The following is an entry in ClinVar:

ClinVar aggregate classification (germline): Uncertain significance (1 of 4 stars; one submission).

Submission:

Labcorp Genetics (formerly Invitae), Labcorp
Classification: Uncertain significance. Last evaluated: 2024-06-11. Review status: criteria provided, single submitter. Criteria: Invitae Variant Classification Sherloc (09022015). Collection method: clinical testing. Allele origin: germline.
Comment: This sequence change replaces tyrosine, which is neutral and polar, with asparagine, which is neutral and polar, at codon 528 of the BACH2 protein (p.Tyr528Asn). This variant is not present in population databases (gnomAD no frequency). This variant has not been reported in the literature in individuals affected with BACH2-related conditions. Advanced modeling of protein sequence and biophysical properties (such as structural, functional, and spatial information, amino acid conservation, physicochemical variation, residue mobility, and thermodynamic stability) performed at Invitae indicates that this missense variant is not expected to disrupt BACH2 protein function with a negative predictive value of 80%. In summary, the available evidence is currently insufficient to determine the role of this variant in disease. Therefore, it has been classified as a Variant of Uncertain Significance.

NM_021813.4(BACH2):c.1582T>A (p.Tyr528Asn)

Gene: BACH2 (BACH transcriptional regulator 2; minus strand). Cytogenetic location: 6q15.
Variant type: single nucleotide variant.
Coding change: c.1582T>A on transcript NM_021813.4 (MANE Select); coding-DNA position 1582, T replaced by A.
Protein change: p.Tyr528Asn; replaces tyrosine 528 with asparagine.
Molecular consequence: missense variant.
Genome position (GRCh38, 1-based): chr6:89,950,524, A>T on the plus strand (T>A on the coding strand, the complement: BACH2 is on the minus strand). VCF-style: chr6-89950524-A-T. GRCh37 (hg19) VCF-style: chr6-90660243-A-T.
Other names: c.1582T>A, p.Tyr528Asn (NM_001170794.2); short protein forms Y528N.
Identifiers: ClinVar variation 3656193 (VCV003656193.2).